The following is an entry in ClinVar:

NM_002878.4(RAD51D):c.54del (p.Gln18fs)

Genes: RAD51L3-RFFL (RAD51L3-RFFL readthrough; minus strand), RAD51D (RAD51 paralog D; minus strand). Cytogenetic location: 17q12.
Variant type: Deletion.
Coding change: c.54del on transcript NM_002878.4 (MANE Select); coding-DNA position 54, one base deleted (G; older notation c.54delG).
Protein change: p.Gln18fs; shifts the reading frame from glutamine 18.
Molecular consequence: frameshift variant. On other transcripts: non-coding transcript variant (2).
Genome position (GRCh38, 1-based): chr17:35,119,560, C deleted on the plus strand (G on the coding strand, the reverse complement: RAD51D is on the minus strand). VCF-style (leftmost placement, unchanged base first): chr17-35119559-GC-G. GRCh37 (hg19) VCF-style: chr17-33446578-GC-G.
Other names: c.54del, p.Gln18fs (NM_001142571.2, NM_133629.3); short protein forms Q18fs.
Identifiers: ClinVar variation 1747948 (VCV001747948.3), dbSNP rs2509188899, ClinGen allele CA2580093638.

ClinVar aggregate classification (germline): Likely pathogenic (1 of 4 stars; one submission).

Conditions:
Hereditary cancer-predisposing syndrome. Also called: Hereditary Cancer Syndrome; Hereditary neoplastic syndrome; Neoplastic Syndromes, Hereditary; Tumor predisposition. Identifiers: Orphanet 140162, MedGen C0027672, MeSH D009386, MONDO:0015356.

Submission:

Ambry Genetics
Classification: Likely pathogenic for Hereditary cancer-predisposing syndrome. Last evaluated: 2025-08-05. Review status: criteria provided, single submitter. Criteria: Ambry Variant Classification Scheme 2023. Collection method: clinical testing. Allele origin: germline.
Comment: The c.54delG variant, located in coding exon 1 of the RAD51D gene, results from a deletion of one nucleotide at nucleotide position 54, causing a translational frameshift with a predicted alternate stop codon (p.Q18Hfs*22). The predicted stop codon occurs in the 5&rsquo; end of theRAD51D gene. Premature termination codons in the 5&rsquo; end of a gene have been reported to escape nonsense-mediated mRNAdecay and/or lead to re-initiation (Rivas et al. Science. 2015 May 8;348(6235):666-9; Lindeboom et al. Nat Genet. 2016 Oct;48(10):1112-8; Rhee et al. Sci Rep. 2017 May 10;7(1):1653). Direct evidence for this alteration is unavailable, however premature termination codons are typically deleterious in nature. This variant is considered to be rare based on population cohorts in the Genome Aggregation Database (gnomAD). Based on the majority of available evidence to date, this variant is likely to be pathogenic.